The following is an entry in ClinVar:

NM_004924.6(ACTN4):c.2671G>A (p.Ala891Thr)

Gene: ACTN4 (actinin alpha 4; plus strand). Cytogenetic location: 19q13.2.
Variant type: single nucleotide variant.
Coding change: c.2671G>A on transcript NM_004924.6 (MANE Select); coding-DNA position 2671, G replaced by A.
Protein change: p.Ala891Thr; replaces alanine 891 with threonine.
Molecular consequence: missense variant.
Genome position (GRCh38, 1-based): chr19:38,729,367, G>A. VCF-style: chr19-38729367-G-A. GRCh37 (hg19) VCF-style: chr19-39220007-G-A.
Other names: c.2656G>A, p.Ala886Thr (NM_001322033.2); c.2671G>A (NM_004924.4); short protein forms A886T, A891T.
Identifiers: ClinVar variation 1406574 (VCV001406574.11), dbSNP rs370231267, ClinGen allele CA9418134.

ClinVar aggregate classification (germline): Conflicting classifications of pathogenicity. Review status: criteria provided, conflicting classifications (1 of 4 stars). 4 submissions from 4 submitters: Uncertain significance (2); Benign (1); Likely benign (1). Last evaluated 2025-06-12.

Conditions:
Focal segmental glomerulosclerosis 1 (FSGS1). Identifiers: Orphanet 656, MedGen C4551527, MONDO:0011303, OMIM 603278.
Inborn genetic diseases. Identifiers: MedGen C0950123, MeSH D030342.

Allele frequency attached by ClinVar (database versions not stated): gnomAD 0.00004 and 0.00005; gnomAD exomes 0.00004 and 0.00006; ExAC 0.00005; ESP Exome Variant Server 0.00008; TOPMed 0.00008; 1000 Genomes Project 30x 0.00031; 1000 Genomes Project 0.00040.

Submissions (4):

Labcorp Genetics (formerly Invitae), Labcorp
Classification: Benign. Last evaluated: 2025-06-12. Review status: criteria provided, single submitter. Criteria: Invitae Variant Classification Sherloc (09022015). Collection method: clinical testing. Allele origin: germline.

Fulgent Genetics
Classification: Likely benign for Focal segmental glomerulosclerosis 1. Last evaluated: 2024-05-09. Review status: criteria provided, single submitter. Criteria: ACMG Guidelines, 2015. Collection method: clinical testing. Allele origin: germline.

Genetic Services Laboratory, University of Chicago
Classification: Uncertain significance. Last evaluated: 2023-03-09. Review status: criteria provided, single submitter. Criteria: ACMG Guidelines, 2015. Collection method: clinical testing. Allele origin: germline. Affected: no.
Comment: DNA sequence analysis of the ACTN4 gene demonstrated a sequence change, c.2671G>A, in exon 21 that results in an amino acid change, p.Ala891Thr. This sequence change has been described in the gnomAD database with a frequency of 0.08% in the Ashkenazi Jeiwsh subpopulation (dbSNP rs370231267). The p.Ala891Thr change affects a moderately conserved amino acid residue located in a domain of the ACTN4 protein that is known to be functional. In-silico pathogenicity prediction tools (SIFT, PolyPhen2, Align GVGD, REVEL) provide contradictory results for the p.Ala891Thr substitution. This sequence change does not appear to have been previously described in individuals with ACTN4-related disorders. Due to insufficient evidences and the lack of functional studies, the clinical significance of the p.Ala891Thr change remains unknown at this time.

Ambry Genetics
Classification: Uncertain significance for Inborn genetic diseases. Last evaluated: 2022-12-02. Review status: criteria provided, single submitter. Criteria: Ambry Variant Classification Scheme 2023. Collection method: clinical testing. Allele origin: germline.